The following is an entry in ClinVar:

NM_001378454.1(ALMS1):c.1961C>T (p.Pro654Leu)

Gene: ALMS1 (ALMS1 centrosome and basal body associated protein; plus strand). Cytogenetic location: 2p13.1.
Variant type: single nucleotide variant.
Coding change: c.1961C>T on transcript NM_001378454.1 (MANE Select); coding-DNA position 1961, C replaced by T.
Protein change: p.Pro654Leu; replaces proline 654 with leucine.
Molecular consequence: missense variant.
Genome position (GRCh38, 1-based): chr2:73,448,488, C>T. VCF-style: chr2-73448488-C-T. GRCh37 (hg19) VCF-style: chr2-73675615-C-T.
Other names: c.1964C>T, p.Pro655Leu (NM_015120.4); short protein forms P654L, P655L.
Identifiers: ClinVar variation 1462164 (VCV001462164.5), dbSNP rs2103772890, ClinGen allele CA347265963.

ClinVar aggregate classification (germline): Uncertain significance. Review status: criteria provided, multiple submitters, no conflicts (2 of 4 stars). 2 submissions from 2 submitters: Uncertain significance (2). Last evaluated 2021-10-15.

Conditions:
Alstrom syndrome (ALMS). Identifiers: Orphanet 64, MedGen C0268425, MONDO:0008763, OMIM 203800.

Submissions (2):

Fulgent Genetics
Classification: Uncertain significance for Alstrom syndrome. Last evaluated: 2021-10-15. Review status: criteria provided, single submitter. Criteria: ACMG Guidelines, 2015. Collection method: clinical testing. Allele origin: unknown.

Labcorp Genetics (formerly Invitae), Labcorp
Classification: Uncertain significance for Alstrom syndrome. Last evaluated: 2021-03-09. Review status: criteria provided, single submitter. Criteria: Invitae Variant Classification Sherloc (09022015). Collection method: clinical testing. Allele origin: germline.
Comment: In summary, the available evidence is currently insufficient to determine the role of this variant in disease. Therefore, it has been classified as a Variant of Uncertain Significance. Experimental studies and prediction algorithms are not available or were not evaluated, and the functional significance of this variant is currently unknown. This variant has not been reported in the literature in individuals with ALMS1-related conditions. This variant is not present in population databases (ExAC no frequency). This sequence change replaces proline with leucine at codon 655 of the ALMS1 protein (p.Pro655Leu). The proline residue is weakly conserved and there is a moderate physicochemical difference between proline and leucine.